The following is an entry in ClinVar:

ClinVar aggregate classification (germline): Uncertain significance (1 of 4 stars; one submission).

Allele frequency attached by ClinVar (database versions not stated): gnomAD exomes below 0.00001; TOPMed 0.00001.

Submission:

GeneDx
Classification: Uncertain significance. Last evaluated: 2023-01-25. Review status: criteria provided, single submitter. Criteria: GeneDx Variant Classification Process June 2021. Collection method: clinical testing. Allele origin: germline. Affected: yes.
Comment: Not observed at significant frequency in large population cohorts (gnomAD); In silico analysis supports that this missense variant has a deleterious effect on protein structure/function; Has not been previously published as pathogenic or benign to our knowledge

NM_018896.5(CACNA1G):c.2342T>C (p.Val781Ala)

Gene: CACNA1G (calcium voltage-gated channel subunit alpha1 G; plus strand). Cytogenetic location: 17q21.33.
Variant type: single nucleotide variant.
Coding change: c.2342T>C on transcript NM_018896.5 (MANE Select); coding-DNA position 2342, T replaced by C.
Protein change: p.Val781Ala; replaces valine 781 with alanine.
Molecular consequence: missense variant. On other transcripts: non-coding transcript variant (5).
Genome position (GRCh38, 1-based): chr17:50,590,511, T>C. VCF-style: chr17-50590511-T-C. GRCh37 (hg19) VCF-style: chr17-48667872-T-C.
Other names: c.2342T>C, p.Val781Ala (NM_001256324.2, NM_001256325.2, NM_001256326.2 and 24 more transcripts); short protein forms V781A.
Identifiers: ClinVar variation 2574397 (VCV002574397.1), dbSNP rs1293429029, ClinGen allele CA400247896.
Genomic context (GRCh38, chr17:50,590,511, plus strand): 5'-CATCCCACCCTGCCCTGCAGCCCGAGGAGCTTACCAACGCCCTAGAAATCAGCAACATCG[T>C]CTTCACCAGCCTCTTTGCCCTGGAGATGCTGCTGAAGCTGCTTGTGTATGGTCCCTTTGG-3'
Protein context (NP_061496.2, residues 771-791): LTNALEISNI[Val781Ala]FTSLFALEML